The following is an entry in ClinVar:

ClinVar aggregate classification (germline): Uncertain significance. Review status: criteria provided, multiple submitters, no conflicts (2 of 4 stars). 4 submissions from 4 submitters: Uncertain significance (4). Last evaluated 2026-08-06.

Conditions:
Bethlem myopathy 1A. Also called: MYOPATHY, BENIGN CONGENITAL, WITH CONTRACTURES; Bethlem myopathy 1; Bethlem Muscular Dystrophy. Identifiers: Orphanet 610, MedGen CN029274, MONDO:0024530, OMIM 158810.

Allele frequency attached by ClinVar (database versions not stated): gnomAD exomes 0.00001 and below 0.00001; TOPMed 0.00001.
gnomAD v4.1: 5 of 1,602,628 alleles (0.00031%); highest among the groups gnomAD compares: Admixed American, 0.0086%; no homozygotes.

Submissions (4):

OLLIN Analises Genomicas, OLLIN
Classification: Uncertain significance for Bethlem myopathy 1A. Last evaluated: 2026-08-06. Review status: criteria provided, single submitter. Criteria: ACMG Guidelines 2015 PMID 25741868. Collection method: clinical testing. Allele origin: germline. Inheritance: Autosomal dominant inheritance.
Comment: This missense variant, located in exon 26 (of 35), has been reported in ClinVar (accession VCV000950690.12) and in gnomAD with an allele frequency of 0.00031%. However, to our knowledge, it has not been reported in the scientific literature. In silico analysis is inconclusive regarding the impact of this variant. According to the currently available evidence, this variant has been classified as uncertain significance (PM2_P).

Labcorp Genetics (formerly Invitae), Labcorp
Classification: Uncertain significance for Bethlem myopathy 1A. Last evaluated: 2025-02-13. Review status: criteria provided, single submitter. Criteria: Invitae Variant Classification Sherloc (09022015). Collection method: clinical testing. Allele origin: germline.
Comment: This sequence change replaces tyrosine, which is neutral and polar, with cysteine, which is neutral and slightly polar, at codon 573 of the COL6A1 protein (p.Tyr573Cys). The frequency data for this variant in the population databases is considered unreliable, as metrics indicate poor data quality at this position in the gnomAD database. This variant has not been reported in the literature in individuals affected with COL6A1-related conditions. ClinVar contains an entry for this variant (Variation ID: 950690). Invitae Evidence Modeling of protein sequence and biophysical properties (such as structural, functional, and spatial information, amino acid conservation, physicochemical variation, residue mobility, and thermodynamic stability) has been performed for this missense variant. However, the output from this modeling did not meet the statistical confidence thresholds required to predict the impact of this variant on COL6A1 protein function. In summary, the available evidence is currently insufficient to determine the role of this variant in disease. Therefore, it has been classified as a Variant of Uncertain Significance.

Revvity Omics, Revvity
Classification: Uncertain significance. Last evaluated: 2022-06-27. Review status: criteria provided, single submitter. Criteria: ACMG Guidelines, 2015. Collection method: clinical testing. Allele origin: germline.

Breakthrough Genomics
Classification: Uncertain significance. Review status: criteria provided, single submitter. Criteria: ACMG Guidelines, 2015. Collection method: not provided. Allele origin: germline. Inheritance: Autosomal dominant inheritance. Affected: yes.

NM_001848.3(COL6A1):c.1718A>G (p.Tyr573Cys)

Gene: COL6A1 (collagen type VI alpha 1 chain; plus strand). Cytogenetic location: 21q22.3.
Variant type: single nucleotide variant.
Coding change: c.1718A>G on transcript NM_001848.3 (MANE Select); coding-DNA position 1718, A replaced by G.
Protein change: p.Tyr573Cys; replaces tyrosine 573 with cysteine.
Molecular consequence: missense variant.
Genome position (GRCh38, 1-based): chr21:45,999,196, A>G. VCF-style: chr21-45999196-A-G. GRCh37 (hg19) VCF-style: chr21-47419110-A-G.
Other names: short protein forms Y573C.
Identifiers: ClinVar variation 950690 (VCV000950690.13), dbSNP rs887316220, ClinGen allele CA321973046.